The following is an entry in ClinVar:

NM_018993.4(RIN2):c.218G>A (p.Arg73Gln)

Gene: RIN2 (Ras and Rab interactor 2; plus strand). Cytogenetic location: 20p11.23.
Variant type: single nucleotide variant.
Coding change: c.218G>A on transcript NM_018993.4 (MANE Select); coding-DNA position 218, G replaced by A.
Protein change: p.Arg73Gln; replaces arginine 73 with glutamine.
Molecular consequence: missense variant. On other transcripts: 5 prime UTR variant (1).
Genome position (GRCh38, 1-based): chr20:19,956,674, G>A. VCF-style: chr20-19956674-G-A. GRCh37 (hg19) VCF-style: chr20-19937318-G-A.
Other names: c.365G>A, p.Arg122Gln (NM_001242581.2); c.-328G>A (NM_001378238.1); c.218G>A (NM_018993.3); short protein forms R73Q, R122Q.
Identifiers: ClinVar variation 1380824 (VCV001380824.8), dbSNP rs758911813, ClinGen allele CA9779766.

ClinVar aggregate classification (germline): Uncertain significance. Review status: criteria provided, multiple submitters, no conflicts (2 of 4 stars). 2 submissions from 2 submitters: Uncertain significance (2). Last evaluated 2022-11-10.

Conditions:
Inborn genetic diseases. Identifiers: MedGen C0950123, MeSH D030342.

Allele frequency attached by ClinVar (database versions not stated): ExAC 0.00003; gnomAD exomes 0.00003 and 0.00004; TOPMed 0.00005; gnomAD 0.00009.

Submissions (2):

Ambry Genetics
Classification: Uncertain significance for Inborn genetic diseases. Last evaluated: 2022-11-10. Review status: criteria provided, single submitter. Criteria: Ambry Variant Classification Scheme 2023. Collection method: clinical testing. Allele origin: germline.

Labcorp Genetics (formerly Invitae), Labcorp
Classification: Uncertain significance. Last evaluated: 2022-06-23. Review status: criteria provided, single submitter. Criteria: Invitae Variant Classification Sherloc (09022015). Collection method: clinical testing. Allele origin: germline.
Comment: This sequence change replaces arginine, which is basic and polar, with glutamine, which is neutral and polar, at codon 73 of the RIN2 protein (p.Arg73Gln). This variant is present in population databases (rs758911813, gnomAD 0.02%). This variant has not been reported in the literature in individuals affected with RIN2-related conditions. Algorithms developed to predict the effect of missense changes on protein structure and function are either unavailable or do not agree on the potential impact of this missense change (SIFT: "Deleterious"; PolyPhen-2: "Not Available"; Align-GVGD: "Class C0"). Algorithms developed to predict the effect of sequence changes on RNA splicing suggest that this variant may create or strengthen a splice site. In summary, the available evidence is currently insufficient to determine the role of this variant in disease. Therefore, it has been classified as a Variant of Uncertain Significance.